The following is an entry in ClinVar:

ClinVar aggregate classification (germline): Uncertain significance (1 of 4 stars; one submission).

Conditions:
Fanconi anemia (FA). Also called: Fanconi's anemia. Identifiers: Orphanet 84, MedGen C0015625, MeSH D005199, MONDO:0019391.

Allele frequency attached by ClinVar (database versions not stated): gnomAD exomes below 0.00001.
gnomAD v4.1: 3 of 1,612,818 alleles (0.00019%); highest among the groups gnomAD compares: East Asian, 0.0022%; no homozygotes.

Submission:

Labcorp Genetics (formerly Invitae), Labcorp
Classification: Uncertain significance for Fanconi anemia. Last evaluated: 2022-10-04. Review status: criteria provided, single submitter. Criteria: Invitae Variant Classification Sherloc (09022015). Collection method: clinical testing. Allele origin: germline.
Comment: Algorithms developed to predict the effect of sequence changes on RNA splicing suggest that this variant may create or strengthen a splice site. This variant has not been reported in the literature in individuals affected with SLX4-related conditions. This variant is present in population databases (no rsID available, gnomAD 0.006%). This sequence change affects codon 720 of the SLX4 mRNA. It is a 'silent' change, meaning that it does not change the encoded amino acid sequence of the SLX4 protein. It affects a nucleotide within the consensus splice site. In summary, the available evidence is currently insufficient to determine the role of this variant in disease. Therefore, it has been classified as a Variant of Uncertain Significance.

NM_032444.4(SLX4):c.2160T>C (p.Tyr720=)

Gene: SLX4 (SLX4 structure-specific endonuclease subunit; minus strand). Cytogenetic location: 16p13.3.
Variant type: single nucleotide variant.
Coding change: c.2160T>C on transcript NM_032444.4 (MANE Select); coding-DNA position 2160, T replaced by C.
Protein change: p.Tyr720=; no amino-acid change (tyrosine 720 retained).
Molecular consequence: synonymous variant.
Genome position (GRCh38, 1-based): chr16:3,594,453, A>G on the plus strand (T>C on the coding strand, the complement: SLX4 is on the minus strand). VCF-style: chr16-3594453-A-G. GRCh37 (hg19) VCF-style: chr16-3644454-A-G.
Identifiers: ClinVar variation 2066706 (VCV002066706.4), dbSNP rs1431131507, ClinGen allele CA493268888.